The following is an entry in ClinVar:

NM_024753.5(TTC21B):c.1448C>A (p.Thr483Asn)

Gene: TTC21B (tetratricopeptide repeat domain 21B; minus strand). Cytogenetic location: 2q24.3.
Variant type: single nucleotide variant.
Coding change: c.1448C>A on transcript NM_024753.5 (MANE Select); coding-DNA position 1448, C replaced by A.
Protein change: p.Thr483Asn; replaces threonine 483 with asparagine.
Molecular consequence: missense variant.
Genome position (GRCh38, 1-based): chr2:165,924,617, G>T on the plus strand (C>A on the coding strand, the complement: TTC21B is on the minus strand). VCF-style: chr2-165924617-G-T. GRCh37 (hg19) VCF-style: chr2-166781127-G-T.
Other names: p.Thr483Asn; short protein forms T483N.
Identifiers: ClinVar variation 331836 (VCV000331836.17), dbSNP rs142887208, ClinGen allele CA1942121.

ClinVar aggregate classification (germline): Conflicting classifications of pathogenicity. Review status: criteria provided, conflicting classifications (1 of 4 stars). 8 submissions from 7 submitters: Uncertain significance (7); Likely benign (1). Last evaluated 2026-09-16.

Conditions:
TTC21B-related disorder. Also called: TTC21B-related disorders; TTC21B-related condition.
Jeune thoracic dystrophy. Also called: Jeune syndrome; Short-rib thoracic dysplasia; Infantile thoracic dystrophy; Thoracic pelvic phalangeal dystrophy; Jeune's syndrome; Chondroectodermal dysplasia-like syndrome. Identifiers: Orphanet 474, MedGen C0265275, MONDO:0018770.
Nephronophthisis. Also called: Juvenile Nephronophthisis. Identifiers: Orphanet 655, MedGen C0687120, MONDO:0019005, HP:0000090.
Nephronophthisis 12 (NPHP12). Identifiers: Orphanet 655, MedGen C3151186, MONDO:0013442, OMIM 613820.
Asphyxiating thoracic dystrophy 4 (SRTD4). Also called: SHORT-RIB THORACIC DYSPLASIA 4 WITH OR WITHOUT POLYDACTYLY; SHORT-RIB THORACIC DYSPLASIA 4. Identifiers: Orphanet 474, MedGen C3151185, MONDO:0013441, OMIM 613819.

Allele frequency attached by ClinVar (database versions not stated): ExAC 0.00014; gnomAD exomes 0.00014 and 0.00030; gnomAD 0.00018 and 0.00024; TOPMed 0.00039; ESP Exome Variant Server 0.00054.
gnomAD v4.1: 468 of 1,613,684 alleles (0.029%); highest among the groups gnomAD compares: Non-Finnish European, 0.036%; no homozygotes.

Submissions (8):

PreventionGenetics, part of Exact Sciences
Classification: Uncertain significance for TTC21B-related condition. Last evaluated: 2026-09-16. Review status: criteria provided, single submitter. Criteria: ACMG Guidelines, 2015. Collection method: clinical testing. Allele origin: germline.
Comment: The TTC21B c.1448C>A variant is predicted to result in the amino acid substitution p.Thr483Asn. To our knowledge, this variant has not been reported in the literature. This variant is reported in 0.025% of alleles in individuals of European (Non-Finnish) descent in gnomAD. At this time, the clinical significance of this variant is uncertain due to the absence of conclusive functional and genetic evidence.

GeneDx
Classification: Uncertain significance. Last evaluated: 2026-02-02. Review status: criteria provided, single submitter. Criteria: GeneDx Variant Classification Process June 2021. Collection method: clinical testing. Allele origin: germline. Affected: yes.
Comment: In silico analysis suggests that this missense variant does not alter protein structure/function; Has not been previously published as pathogenic or benign to our knowledge

Blueprint Genetics
Classification: Likely benign. Last evaluated: 2024-08-21. Review status: criteria provided, single submitter. Criteria: ACMG Guidelines, 2015. Collection method: clinical testing. Allele origin: germline.

Mayo Clinic Laboratories, Mayo Clinic
Classification: Uncertain significance. Last evaluated: 2023-11-03. Review status: criteria provided, single submitter. Criteria: ACMG Guidelines, 2015. Collection method: clinical testing. Allele origin: germline. Observed: 1 variant allele.
Comment: BP4

Labcorp Genetics (formerly Invitae), Labcorp
Classification: Uncertain significance for Jeune thoracic dystrophy; Nephronophthisis. Last evaluated: 2022-10-25. Review status: criteria provided, single submitter. Criteria: Invitae Variant Classification Sherloc (09022015). Collection method: clinical testing. Allele origin: germline.
Comment: This sequence change replaces threonine, which is neutral and polar, with asparagine, which is neutral and polar, at codon 483 of the TTC21B protein (p.Thr483Asn). This variant is present in population databases (rs142887208, gnomAD 0.03%). This variant has not been reported in the literature in individuals affected with TTC21B-related conditions. ClinVar contains an entry for this variant (Variation ID: 331836). Advanced modeling of protein sequence and biophysical properties (such as structural, functional, and spatial information, amino acid conservation, physicochemical variation, residue mobility, and thermodynamic stability) performed at Invitae indicates that this missense variant is not expected to disrupt TTC21B protein function. In summary, the available evidence is currently insufficient to determine the role of this variant in disease. Therefore, it has been classified as a Variant of Uncertain Significance.

Genetic Services Laboratory, University of Chicago
Classification: Uncertain significance. Last evaluated: 2018-06-05. Review status: criteria provided, single submitter. Criteria: ACMG Guidelines, 2015. Collection method: clinical testing. Allele origin: germline. Affected: no.

Illumina Laboratory Services, Illumina
Classification: Uncertain significance for Nephronophthisis 12. Last evaluated: 2018-01-13. Review status: criteria provided, single submitter. Criteria: ICSL Variant Classification Criteria 13 December 2019. Collection method: clinical testing. Allele origin: germline.

Illumina Laboratory Services, Illumina
Classification: Uncertain significance for Asphyxiating thoracic dystrophy 4. Last evaluated: 2018-01-13. Review status: criteria provided, single submitter. Criteria: ICSL Variant Classification Criteria 13 December 2019. Collection method: clinical testing. Allele origin: germline.